The following is an entry in ClinVar:

NM_000152.5(GAA):c.-33+1309T>C

Gene: GAA (alpha glucosidase; plus strand). Cytogenetic location: 17q25.3.
Variant type: single nucleotide variant.
Coding change: c.-33+1309T>C on transcript NM_000152.5 (MANE Select); 1309 bases into the intron after 33 bases upstream of the start codon, T replaced by C.
Molecular consequence: intron variant.
Genome position (GRCh38, 1-based): chr17:80,103,199, T>C. VCF-style: chr17-80103199-T-C. GRCh37 (hg19) VCF-style: chr17-78076998-T-C.
Other names: c.-33+1309T>C (NM_001406741.1, NM_001079803.3); c.-33+1274T>C (NM_001406742.1); c.-32-1356T>C (NM_001079804.3).
Identifiers: ClinVar variation 4876438 (VCV004876438.1).

ClinVar aggregate classification (germline): Benign (1 of 4 stars; one submission).

Conditions:
Glycogen storage disease, type II (IOPD). Also called: Pompe Disease; CARDIOMEGALIA GLYCOGENICA DIFFUSA; GLYCOGENOSIS, GENERALIZED, CARDIAC FORM; GSD II; POMPE DISEASE, INFANTILE-ONSET; GLYCOGEN STORAGE DISEASE II, INFANTILE-ONSET. Identifiers: Orphanet 365, MedGen C0017921, MONDO:0009290, OMIM 232300.

gnomAD v4.1: 114,046 of 152,146 alleles (75%); highest among the groups gnomAD compares: Middle Eastern, 87%; 43,084 homozygotes.

Submission:

Genomenon, Inc
Classification: Benign for Glycogen storage disease, type II. Last evaluated: 2026-07-01. Review status: criteria provided, single submitter. Criteria: Genomenon Sequence Variant Interpretation Standards - Updated. Collection method: curation. Allele origin: germline. Affected: no.
Comment: GAA c.-33+1309T>C is an intronic variant located in the 5′ untranslated region (5′ UTR). This variant is present at high allele frequency in population databases. We classify GAA c.-33+1309T>C as a benign variant.